The following is an entry in ClinVar:

ClinVar aggregate classification (germline): Uncertain significance (1 of 4 stars; one submission).

Submission:

GeneDx
Classification: Uncertain significance. Last evaluated: 2025-01-24. Review status: criteria provided, single submitter. Criteria: GeneDx Variant Classification Process June 2021. Collection method: clinical testing. Allele origin: germline. Affected: yes.
Comment: Not observed at significant frequency in large population cohorts (gnomAD); In silico analysis supports that this missense variant has a deleterious effect on protein structure/function; Has not been previously published as pathogenic or benign to our knowledge

NM_001353921.2(ARHGEF9):c.619A>G (p.Asn207Asp)

Gene: ARHGEF9 (Cdc42 guanine nucleotide exchange factor 9; minus strand). Cytogenetic location: Xq11.1.
Variant type: single nucleotide variant.
Coding change: c.619A>G on transcript NM_001353921.2 (MANE Select); coding-DNA position 619, A replaced by G.
Protein change: p.Asn207Asp; replaces asparagine 207 with aspartic acid.
Molecular consequence: missense variant.
Genome position (GRCh38, 1-based): chrX:63,678,536, T>C on the plus strand (A>G on the coding strand, the complement: ARHGEF9 is on the minus strand). VCF-style: chrX-63678536-T-C. GRCh37 (hg19) VCF-style: chrX-62898416-T-C.
Other names: c.439A>G, p.Asn147Asp (NM_001173479.2); c.292A>G, p.Asn98Asp (NM_001173480.2, NM_001369042.1); c.535A>G, p.Asn179Asp (NM_001330495.2, NM_001353927.2, NM_001369041.1 and 8 more transcripts); c.619A>G, p.Asn207Asp (NM_001353922.2); c.637A>G, p.Asn213Asp (NM_001353923.1); c.418A>G, p.Asn140Asp (NM_001353924.2, NM_001353926.2, NM_001369040.1 and 1 more transcripts); c.598A>G, p.Asn200Asp (NM_001353928.2, NM_015185.3, NM_001369030.1 and 2 more transcripts); c.184A>G, p.Asn62Asp (NM_001369045.1); short protein forms N140D, N147D, N179D, N200D, N207D, N213D, N62D, N98D.
Identifiers: ClinVar variation 4071801 (VCV004071801.1).